The following is an entry in ClinVar:

ClinVar aggregate classification (germline): Uncertain significance (1 of 4 stars; one submission).

gnomAD v4.1: 1 of 1,614,166 alleles (0.000062%); highest among the groups gnomAD compares: Non-Finnish European, 0.000085%; no homozygotes.

Submission:

Labcorp Genetics (formerly Invitae), Labcorp
Classification: Uncertain significance. Last evaluated: 2025-01-14. Review status: criteria provided, single submitter. Criteria: Invitae Variant Classification Sherloc (09022015). Collection method: clinical testing. Allele origin: germline.
Comment: This sequence change replaces proline, which is neutral and non-polar, with leucine, which is neutral and non-polar, at codon 1134 of the TTBK2 protein (p.Pro1134Leu). This variant is not present in population databases (gnomAD no frequency). This variant has not been reported in the literature in individuals affected with TTBK2-related conditions. An algorithm developed to predict the effect of missense changes on protein structure and function (PolyPhen-2) suggests that this variant is likely to be disruptive. In summary, the available evidence is currently insufficient to determine the role of this variant in disease. Therefore, it has been classified as a Variant of Uncertain Significance.

NM_173500.4(TTBK2):c.3401C>T (p.Pro1134Leu)

Gene: TTBK2 (tau tubulin kinase 2; minus strand). Cytogenetic location: 15q15.2.
Variant type: single nucleotide variant.
Coding change: c.3401C>T on transcript NM_173500.4 (MANE Select); coding-DNA position 3401, C replaced by T.
Protein change: p.Pro1134Leu; replaces proline 1134 with leucine.
Molecular consequence: missense variant.
Genome position (GRCh38, 1-based): chr15:42,746,129, G>A on the plus strand (C>T on the coding strand, the complement: TTBK2 is on the minus strand). VCF-style: chr15-42746129-G-A. GRCh37 (hg19) VCF-style: chr15-43038327-G-A.
Other names: short protein forms P1134L.
Identifiers: ClinVar variation 3611011 (VCV003611011.2).